The following is an entry in ClinVar:

ClinVar aggregate classification (germline): Pathogenic. Review status: criteria provided, multiple submitters, no conflicts (2 of 4 stars). 4 submissions from 4 submitters: Pathogenic (3). 1 of the submissions does not count toward it. Last evaluated 2024-03-28.

Conditions:
Autosomal recessive limb-girdle muscular dystrophy type 2E (LGMDR4). Also called: MUSCULAR DYSTROPHY, LIMB-GIRDLE, AUTOSOMAL RECESSIVE 4. Identifiers: Orphanet 119, MedGen C1858593, MONDO:0011423, OMIM 604286. Disease mechanism: Affects gamma-sarcoglycan and also disrupts the integrity of the entire sarcoglycan complex..

Submissions (4):

Natera, Inc.
Classification: Pathogenic for Limb-girdle muscular dystrophy type 2E. Last evaluated: 2024-03-28. Review status: criteria provided, single submitter. Criteria: Natera Variant Classification Schema (03/2026). Collection method: clinical testing. Allele origin: germline.
Comment: The c.595_598delAATG variant in SGCB is a frameshift variant predicted to shift the reading frame beginning at codon 199 and leads to a stop codon 17 codons downstream. This variant is expected to result in nonsense mediated decay, truncation, or a dysfunctional protein product. This variant is rare in the general population with a frequency below the threshold expected for the associated phenotype(s). This variant has been observed in one or more individuals affected with the associated recessive disease, as either homozygous or compound heterozygous with a second variant (PMID: 12566530). Given the available evidence, this variant is classified as Pathogenic.

Baylor Genetics
Classification: Pathogenic for Autosomal recessive limb-girdle muscular dystrophy type 2E. Last evaluated: 2023-12-23. Review status: criteria provided, single submitter. Criteria: ACMG Guidelines, 2015. Collection method: clinical testing. Allele origin: unknown.

Labcorp Genetics (formerly Invitae), Labcorp
Classification: Pathogenic for Autosomal recessive limb-girdle muscular dystrophy type 2E. Last evaluated: 2022-12-31. Review status: criteria provided, single submitter. Criteria: Invitae Variant Classification Sherloc (09022015). Collection method: clinical testing. Allele origin: germline.
Comment: ClinVar contains an entry for this variant (Variation ID: 556837). For these reasons, this variant has been classified as Pathogenic. This premature translational stop signal has been observed in individual(s) with limb-girdle muscular dystrophy (PMID: 12566530). This variant is present in population databases (rs762114570, gnomAD 0.007%). This sequence change creates a premature translational stop signal (p.Asn199Phefs*17) in the SGCB gene. It is expected to result in an absent or disrupted protein product. Loss-of-function variants in SGCB are known to be pathogenic (PMID: 15938573, 18285821).

Counsyl
Classification: Likely pathogenic for Autosomal recessive limb-girdle muscular dystrophy type 2E. Last evaluated: 2018-02-21. Review status: no assertion criteria provided. Collection method: clinical testing. Allele origin: unknown. Not counted in ClinVar's aggregate classification.

Literature cited by the submitters: PubMed 12566530 (cited by 3 submitters); PubMed 15938573 (cited by Labcorp Genetics (formerly Invitae), Labcorp); PubMed 18285821 (cited by Labcorp Genetics (formerly Invitae), Labcorp).

NM_000232.5(SGCB):c.595_598del (p.Asn199fs)

Gene: SGCB (sarcoglycan beta; minus strand). Cytogenetic location: 4q12.
Variant type: Deletion.
Coding change: c.595_598del on transcript NM_000232.5 (MANE Select); coding-DNA positions 595 to 598, 4 bases deleted (AATG; older notation c.595_598delAATG).
Protein change: p.Asn199fs; shifts the reading frame from asparagine 199.
Molecular consequence: frameshift variant.
Genome position (GRCh38, 1-based): chr4:52,028,753-52,028,756, CATT deleted on the plus strand (AATG on the coding strand, the reverse complement: SGCB is on the minus strand); deleting any 4 consecutive bases within chr4:52,028,753-52,028,758 gives the same sequence; the c. name uses the placement nearest the transcript's 3' end. VCF-style (leftmost placement, unchanged base first): chr4-52028752-ACATT-A. GRCh37 (hg19) VCF-style: chr4-52894918-ACATT-A.
Other names: c.595_598delAATG (NM_000232.4); short protein forms N199fs.
Identifiers: ClinVar variation 556837 (VCV000556837.14), dbSNP rs762114570, ClinGen allele CA2918361.